The following is an entry in ClinVar:

ClinVar aggregate classification (germline): Uncertain significance (1 of 4 stars; one submission).

Allele frequency attached by ClinVar (database versions not stated): TOPMed 0.00005.
gnomAD v4.1: 218 of 1,613,968 alleles (0.014%); highest among the groups gnomAD compares: Non-Finnish European, 0.018%; no homozygotes.

Submission:

Labcorp Genetics (formerly Invitae), Labcorp
Classification: Uncertain significance. Last evaluated: 2022-10-05. Review status: criteria provided, single submitter. Criteria: Invitae Variant Classification Sherloc (09022015). Collection method: clinical testing. Allele origin: germline.
Comment: This sequence change replaces arginine, which is basic and polar, with proline, which is neutral and non-polar, at codon 1097 of the ADAMTS18 protein (p.Arg1097Pro). This variant is present in population databases (rs150975249, gnomAD 0.006%). This variant has not been reported in the literature in individuals affected with ADAMTS18-related conditions. ClinVar contains an entry for this variant (Variation ID: 842209). Algorithms developed to predict the effect of missense changes on protein structure and function are either unavailable or do not agree on the potential impact of this missense change (SIFT: "Not Available"; PolyPhen-2: "Probably Damaging"; Align-GVGD: "Not Available"). In summary, the available evidence is currently insufficient to determine the role of this variant in disease. Therefore, it has been classified as a Variant of Uncertain Significance.

NM_199355.4(ADAMTS18):c.3290G>C (p.Arg1097Pro)

Gene: ADAMTS18 (ADAM metallopeptidase with thrombospondin type 1 motif 18; minus strand). Cytogenetic location: 16q23.1.
Variant type: single nucleotide variant.
Coding change: c.3290G>C on transcript NM_199355.4 (MANE Select); coding-DNA position 3290, G replaced by C.
Protein change: p.Arg1097Pro; replaces arginine 1097 with proline.
Molecular consequence: missense variant.
Genome position (GRCh38, 1-based): chr16:77,291,378, C>G on the plus strand (G>C on the coding strand, the complement: ADAMTS18 is on the minus strand). VCF-style: chr16-77291378-C-G. GRCh37 (hg19) VCF-style: chr16-77325275-C-G.
Other names: c.2774G>C, p.Arg925Pro (NM_001326358.2); short protein forms R1097P, R925P.
Identifiers: ClinVar variation 842209 (VCV000842209.6), dbSNP rs150975249, ClinGen allele CA8180512.